The following is an entry in ClinVar:

NM_000548.5(TSC2):c.4146G>A (p.Leu1382=)

Gene: TSC2 (TSC complex subunit 2; plus strand). Cytogenetic location: 16p13.3.
Variant type: single nucleotide variant.
Coding change: c.4146G>A on transcript NM_000548.5 (MANE Select); coding-DNA position 4146, G replaced by A.
Protein change: p.Leu1382=; no amino-acid change (leucine 1382 retained).
Molecular consequence: synonymous variant.
Genome position (GRCh38, 1-based): chr16:2,084,368, G>A. VCF-style: chr16-2084368-G-A. GRCh37 (hg19) VCF-style: chr16-2134369-G-A.
Other names: c.3945G>A, p.Leu1315= (NM_001077183.3); c.4077G>A, p.Leu1359= (NM_001114382.3); c.3837G>A, p.Leu1279= (NM_001318827.2); c.3801G>A, p.Leu1267= (NM_001318829.2); c.3414G>A, p.Leu1138= (NM_001318831.2); c.3978G>A, p.Leu1326= (NM_001318832.2); c.3948G>A, p.Leu1316= (NM_001363528.2); c.4014G>A, p.Leu1338= (NM_001370404.1); and 1 more.
Identifiers: ClinVar variation 468067 (VCV000468067.13), dbSNP rs1162436739, ClinGen allele CA493043096.

ClinVar aggregate classification (germline): Likely benign. Review status: criteria provided, multiple submitters, no conflicts (2 of 4 stars). 4 submissions from 4 submitters: Likely benign (4). Last evaluated 2025-04-09.

Conditions:
Tuberous sclerosis 2 (TSC2). Identifiers: Orphanet 805, MedGen C1860707, MONDO:0013199, OMIM 613254.
Tuberous sclerosis syndrome (TSC). Also called: Tuberous Sclerosis Complex; Tuberous sclerosis. Identifiers: Orphanet 805, MedGen C0041341, MONDO:0001734.
Hereditary cancer-predisposing syndrome. Also called: Hereditary neoplastic syndrome; Neoplastic Syndromes, Hereditary; Tumor predisposition; Hereditary Cancer Syndrome. Identifiers: Orphanet 140162, MedGen C0027672, MeSH D009386, MONDO:0015356.

Allele frequency attached by ClinVar (database versions not stated): TOPMed below 0.00001; gnomAD 0.00001.
gnomAD v4.1: 1 of 1,612,482 alleles (0.000062%); highest among the groups gnomAD compares: Non-Finnish European, 0.000085%; no homozygotes.

Submissions (4):

Labcorp Genetics (formerly Invitae), Labcorp
Classification: Likely benign for Tuberous sclerosis 2. Last evaluated: 2025-04-09. Review status: criteria provided, single submitter. Criteria: Invitae Variant Classification Sherloc (09022015). Collection method: clinical testing. Allele origin: germline.

All of Us Research Program, National Institutes of Health
Classification: Likely benign for Tuberous sclerosis syndrome. Last evaluated: 2023-11-20. Review status: criteria provided, single submitter. Criteria: ACMG Guidelines, 2015. Collection method: clinical testing. Allele origin: germline. Inheritance: Autosomal dominant inheritance. Observed: 1 variant allele, 1 heterozygote.
Comment: This study involves interpretation of variants in research participants for the purpose of population health screening. Participant phenotype was not available at the time of variant classification. Additional details can be found in publication PMID: 35346344, PMCID: PMC8962531

Color Diagnostics, LLC DBA Color Health
Classification: Likely benign for Tuberous sclerosis syndrome. Last evaluated: 2023-11-01. Review status: criteria provided, single submitter. Criteria: ACMG Guidelines, 2015. Collection method: clinical testing. Allele origin: germline.

Ambry Genetics
Classification: Likely benign for Hereditary cancer-predisposing syndrome. Last evaluated: 2022-12-05. Review status: criteria provided, single submitter. Criteria: Ambry Variant Classification Scheme 2023. Collection method: clinical testing. Allele origin: germline.